The following is an entry in ClinVar:

ClinVar aggregate classification (germline): Benign. Review status: reviewed by expert panel (3 of 4 stars). 3 submissions from 3 submitters: Benign (1). 2 of the submissions do not count toward it. Last evaluated 2024-09-10.

Conditions:
Hereditary thrombocytopenia and hematologic cancer predisposition syndrome. Identifiers: Orphanet 71290, MedGen CN281654, MONDO:0011071.

Allele frequency attached by ClinVar (database versions not stated): gnomAD exomes 0.00082 and 0.00190; ExAC 0.00427; gnomAD 0.00711 and 0.00757; TOPMed 0.00779; 1000 Genomes Project 30x 0.00812; 1000 Genomes Project 0.00819.
gnomAD v4.1: 1,779 of 942,160 alleles (0.19%); highest among the groups gnomAD compares: African/African-American, 2.3%; 18 homozygotes.

Submissions (3):

ClinGen Myeloid Malignancy Variant Curation Expert Panel
Classification: Benign for Hereditary thrombocytopenia and hematologic cancer predisposition syndrome. Last evaluated: 2024-09-10. Review status: reviewed by expert panel. Criteria: ClinGen MyeloMalig ACMG Specifications v2. Collection method: curation. Allele origin: germline. Inheritance: Autosomal dominant inheritance.
Comment: NM_001754.5(RUNX1):c.613+108G>A is a noncoding (intronic) variant. This variant has a MAF of 0.00244 (0.244%, 646/265052, 547 alleles) in the African subpopulation of the gnomAD v2.1.1 cohort, which is ≥ 0.0015 (0.15%) (BA1). No splicing impact or creation of cryptic splice sites is predicted by SSF and MES. SpliceAI predicts no impact to splicing (score: 0) (BP4). Evolutionary conservation algorithms predict the site as not being conserved (PhyloP score -0.18222 < 2.0) (BP7). In summary, this variant meets criteria to be classified as benign. ACMG/AMP criteria applied, as specified by the Myeloid Malignancy Variant Curation Expert Panel for RUNX1: BA1, BP4, BP7.

GeneDx
Classification: Likely benign. Last evaluated: 2019-06-28. Review status: criteria provided, single submitter. Criteria: GeneDx Variant Classification Process June 2021. Collection method: clinical testing. Allele origin: germline. Affected: yes. Not counted in ClinVar's aggregate classification.

Breakthrough Genomics
Classification: Likely benign. Review status: criteria provided, single submitter. Criteria: ACMG Guidelines, 2015. Collection method: not provided. Allele origin: germline. Inheritance: Autosomal dominant inheritance. Affected: yes. Not counted in ClinVar's aggregate classification.

NM_001754.5(RUNX1):c.613+108G>A

Genes: RUNX1 (RUNX family transcription factor 1; minus strand), RUNX1-AS1 (RUNX1 antisense RNA 1; plus strand). Cytogenetic location: 21q22.12.
Variant type: single nucleotide variant.
Coding change: c.613+108G>A on transcript NM_001754.5 (MANE Select); 108 bases into the intron after coding-DNA position 613, G replaced by A.
Molecular consequence: intron variant.
Genome position (GRCh38, 1-based): chr21:34,859,366, C>T on the plus strand (G>A on the coding strand, the complement: RUNX1 is on the minus strand). VCF-style: chr21-34859366-C-T. GRCh37 (hg19) VCF-style: chr21-36231663-C-T.
Other names: c.532+108G>A (NM_001001890.3, NM_001122607.2).
Identifiers: ClinVar variation 1219872 (VCV001219872.5), dbSNP rs111433804, ClinGen allele CA10014446.